The following is an entry in ClinVar:

ClinVar aggregate classification (germline): Benign (3 of 4 stars; one submission).

Conditions:
Breast-ovarian cancer, familial, susceptibility to, 2 (BROVCA2). Also called: BRCA2 Hereditary Breast and Ovarian Cancer. Identifiers: Orphanet 145, MedGen C2675520, MONDO:0012933, OMIM 612555. Disease mechanism: loss of function.

Submission:

Evidence-based Network for the Interpretation of Germline Mutant Alleles (ENIGMA)
Classification: Benign for Breast-ovarian cancer, familial, susceptibility to, 2. Last evaluated: 2016-09-28. Review status: reviewed by expert panel. Criteria: ENIGMA BRCA1/2 Classification Criteria (2015). Collection method: curation. Allele origin: germline.
Comment: Class 1 not pathogenic based on frequency >1% in an outbred sampleset. Frequency 0.025 (African), derived from 1000 genomes (2013-05-02).

NM_000059.4(BRCA2):c.8633-553_8633-549del

Gene: BRCA2 (BRCA2 DNA repair associated; plus strand). Cytogenetic location: 13q13.1.
Variant type: Deletion.
Coding change: c.8633-553_8633-549del on transcript NM_000059.4 (MANE Select); 553 bases into the intron before coding-DNA position 8633 through 549 bases into the intron before coding-DNA position 8633, 5 bases deleted (GAAAT; older notation c.8633-553_8633-549delGAAAT).
Molecular consequence: intron variant.
Genome position (GRCh38, 1-based): chr13:32,376,117-32,376,121, GAAAT deleted; deleting any 5 consecutive bases within chr13:32,376,116-32,376,121 gives the same sequence; the c. name uses the placement nearest the transcript's 3' end. VCF-style (leftmost placement, unchanged base first): chr13-32376115-GTGAAA-G. GRCh37 (hg19) VCF-style: chr13-32950252-GTGAAA-G.
Identifiers: ClinVar variation 264949 (VCV000264949.1), dbSNP rs540494622, ClinGen allele CA10588149.